The following is an entry in ClinVar:

ClinVar aggregate classification (germline): Uncertain significance. Review status: criteria provided, multiple submitters, no conflicts (2 of 4 stars). 2 submissions from 2 submitters: Uncertain significance (2). Last evaluated 2022-08-03.

Conditions:
Severe combined immunodeficiency due to DNA-PKcs deficiency. Also called: IMMUNODEFICIENCY 26 WITH NEUROLOGIC ABNORMALITIES; Immunodeficiency 26 with or without neurologic abnormalities. Identifiers: Orphanet 317425, MedGen C4014833, MONDO:0014423, OMIM 615966.

Allele frequency attached by ClinVar (database versions not stated): gnomAD exomes below 0.00001; TOPMed below 0.00001.
gnomAD v4.1: 1 of 1,613,770 alleles (0.000062%); highest among the groups gnomAD compares: South Asian, 0.0011%; no homozygotes.

Submissions (2):

Labcorp Genetics (formerly Invitae), Labcorp
Classification: Uncertain significance for Severe combined immunodeficiency due to DNA-PKcs deficiency. Last evaluated: 2022-08-03. Review status: criteria provided, single submitter. Criteria: Invitae Variant Classification Sherloc (09022015). Collection method: clinical testing. Allele origin: germline.
Comment: This sequence change replaces aspartic acid, which is acidic and polar, with glycine, which is neutral and non-polar, at codon 781 of the PRKDC protein (p.Asp781Gly). This variant is not present in population databases (gnomAD no frequency). This variant has not been reported in the literature in individuals affected with PRKDC-related conditions. Experimental studies and prediction algorithms are not available or were not evaluated, and the functional significance of this variant is currently unknown. In summary, the available evidence is currently insufficient to determine the role of this variant in disease. Therefore, it has been classified as a Variant of Uncertain Significance.

Ambry Genetics
Classification: Uncertain significance. Last evaluated: 2021-12-10. Review status: criteria provided, single submitter. Criteria: Ambry Variant Classification Scheme 2023. Collection method: clinical testing. Allele origin: germline.
Comment: The p.D781G variant (also known as c.2342A>G), located in coding exon 21 of the PRKDC gene, results from an A to G substitution at nucleotide position 2342. The aspartic acid at codon 781 is replaced by glycine, an amino acid with similar properties. This amino acid position is conserved. In addition, this alteration is predicted to be tolerated by in silico analysis. Since supporting evidence is limited at this time, the clinical significance of this alteration remains unclear.

NM_006904.7(PRKDC):c.2342A>G (p.Asp781Gly)

Gene: PRKDC (protein kinase, DNA-activated, catalytic subunit; minus strand). Cytogenetic location: 8q11.21.
Variant type: single nucleotide variant.
Coding change: c.2342A>G on transcript NM_006904.7 (MANE Select); coding-DNA position 2342, A replaced by G.
Protein change: p.Asp781Gly; replaces aspartic acid 781 with glycine.
Molecular consequence: missense variant.
Genome position (GRCh38, 1-based): chr8:47,927,271, T>C on the plus strand (A>G on the coding strand, the complement: PRKDC is on the minus strand). VCF-style: chr8-47927271-T-C. GRCh37 (hg19) VCF-style: chr8-48839831-T-C.
Other names: c.2342A>G, p.Asp781Gly (NM_001081640.2); short protein forms D781G.
Identifiers: ClinVar variation 1714980 (VCV001714980.7), dbSNP rs2090170428, ClinGen allele CA371161810.